The following is an entry in ClinVar:

ClinVar aggregate classification (germline): Pathogenic/Likely pathogenic. Review status: criteria provided, multiple submitters, no conflicts (2 of 4 stars). 8 submissions from 8 submitters: Pathogenic (6); Likely pathogenic (1). 1 of the submissions does not count toward it. Last evaluated 2026-01-25.

Conditions:
Ovarian cancer. Also called: OVARIAN CANCER, SOMATIC. Identifiers: Orphanet 213500, MedGen C1140680, MONDO:0008170, OMIM 167000.
Familial cancer of breast. Also called: Hereditary breast cancer; hereditary breast carcinoma; BREAST CANCER, FAMILIAL. Identifiers: Orphanet 227535, MedGen C0346153, MONDO:0016419, OMIM 114480. Disease mechanism: loss of function.
Hereditary cancer-predisposing syndrome. Also called: Hereditary neoplastic syndrome; Neoplastic Syndromes, Hereditary; Tumor predisposition; Hereditary Cancer Syndrome. Identifiers: Orphanet 140162, MedGen C0027672, MeSH D009386, MONDO:0015356.
Fanconi anemia complementation group J. Also called: BRIP1-Related Fanconi Anemia. Identifiers: Orphanet 84, MedGen C1836860, MONDO:0012187, OMIM 609054.

Allele frequency attached by ClinVar (database versions not stated): TOPMed below 0.00001; gnomAD 0.00001; gnomAD exomes 0.00003 and 0.00005; ExAC 0.00005.

Submissions (8):

Labcorp Genetics (formerly Invitae), Labcorp
Classification: Pathogenic for Familial cancer of breast; Fanconi anemia complementation group J. Last evaluated: 2026-01-25. Review status: criteria provided, single submitter. Criteria: Invitae Variant Classification Sherloc (09022015). Collection method: clinical testing. Allele origin: germline.
Comment: This sequence change creates a premature translational stop signal (p.Thr912Aspfs*27) in the BRIP1 gene. It is expected to result in an absent or disrupted protein product. Loss-of-function variants in BRIP1 are known to be pathogenic (PMID: 16116423, 17033622, 21964575). This variant is present in population databases (rs752780954, gnomAD 0.01%). This variant has not been reported in the literature in individuals affected with BRIP1-related conditions. ClinVar contains an entry for this variant (Variation ID: 407818). For these reasons, this variant has been classified as Pathogenic.

Color Diagnostics, LLC DBA Color Health
Classification: Pathogenic for Hereditary cancer-predisposing syndrome. Last evaluated: 2025-11-17. Review status: criteria provided, single submitter. Criteria: ACMG Guidelines, 2015. Collection method: clinical testing. Allele origin: germline.
Comment: This variant inserts 1 nucleotide in exon 19 of the BRIP1 gene, creating a frameshift and premature translation stop signal. This variant is expected to result in an absent or non-functional protein product. To our knowledge, this variant has not been reported in individuals affected with BRIP1-related disorders in the literature. This variant has been identified in 17/1613850 chromosomes in the general population by the Genome Aggregation Database (gnomAD). Loss of BRIP1 function is a known mechanism of disease. Based on the available evidence, this variant is classified as Pathogenic.

Ambry Genetics
Classification: Pathogenic for Hereditary cancer-predisposing syndrome. Last evaluated: 2024-11-12. Review status: criteria provided, single submitter. Criteria: Ambry Variant Classification Scheme 2023. Collection method: clinical testing. Allele origin: germline.
Comment: The c.2732dupT pathogenic mutation, located in coding exon 18 of the BRIP1 gene, results from a duplication of T at nucleotide position 2732, causing a translational frameshift with a predicted alternate stop codon (p.T912Dfs*27). This variant was reported in 3/60,466 breast cancer cases and in 2/53,461 controls (Dorling et al. N Engl J Med. 2021 02;384:428-439). This alteration is expected to result in loss of function by premature protein truncation or nonsense-mediated mRNA decay. As such, this alteration is interpreted as a disease-causing mutation.

Centre for Clinical Genetics and Genomic Diagnostics, Zealand University Hospital
Classification: Pathogenic. Last evaluated: 2024-08-07. Review status: criteria provided, single submitter. Criteria: ACMG Guidelines, 2015. Collection method: clinical testing. Allele origin: germline.

Center for Genomic Medicine, Rigshospitalet, Copenhagen University Hospital
Classification: Likely pathogenic. Last evaluated: 2024-07-31. Review status: criteria provided, single submitter. Criteria: ACMG Guidelines, 2015. Collection method: clinical testing. Allele origin: germline.

Myriad Genetics, Inc.
Classification: Pathogenic for Familial cancer of breast. Last evaluated: 2023-06-07. Review status: criteria provided, single submitter. Criteria: Myriad Autosomal Dominant, Autosomal Recessive and X-Linked Classification Criteria (2023). Collection method: clinical testing. Allele origin: unknown.
Comment: This variant is considered pathogenic. This variant creates a frameshift predicted to result in premature protein truncation.

GeneDx
Classification: Pathogenic. Last evaluated: 2020-01-16. Review status: criteria provided, single submitter. Criteria: GeneDx Variant Classification Process June 2021. Collection method: clinical testing. Allele origin: germline. Affected: yes.
Comment: Frameshift variant predicted to result in protein truncation or nonsense mediated decay in a gene for which loss-of-function is a known mechanism of disease; Has not been previously published as pathogenic or benign to our knowledge; This variant is associated with the following publications: (PMID: 29922827)

BRCAlab, Lund University
Classification: Pathogenic for Ovarian cancer. Last evaluated: 2022-08-26. Review status: no assertion criteria provided. Collection method: clinical testing. Allele origin: germline. Affected: yes. Not counted in ClinVar's aggregate classification.

Literature cited by the submitters: PubMed 16116423 (cited by Labcorp Genetics (formerly Invitae), Labcorp); PubMed 17033622 (cited by Labcorp Genetics (formerly Invitae), Labcorp); PubMed 21964575 (cited by Labcorp Genetics (formerly Invitae), Labcorp); PubMed 33471991 (cited by Ambry Genetics).

NM_032043.3(BRIP1):c.2732dup (p.Thr912fs)

Gene: BRIP1 (BRCA1 interacting DNA helicase 1; minus strand). Cytogenetic location: 17q23.2.
Variant type: Duplication.
Coding change: c.2732dup on transcript NM_032043.3 (MANE Select); coding-DNA position 2732, one base duplicated (T; older notation c.2732dupT).
Protein change: p.Thr912fs; shifts the reading frame from threonine 912.
Molecular consequence: frameshift variant.
Genome position (GRCh38, 1-based): chr17:61,686,009, A duplicated on the plus strand (T on the coding strand, the reverse complement: BRIP1 is on the minus strand). VCF-style (leftmost placement, unchanged base first): chr17-61686008-C-CA. GRCh37 (hg19) VCF-style: chr17-59763369-C-CA.
Other names: c.2732dupT (NM_032043.2, NM_032043.3); short protein forms T912fs.
Identifiers: ClinVar variation 407818 (VCV000407818.43), dbSNP rs752780954, ClinGen allele CA8690460.